The following is an entry in ClinVar:

NM_001041.4(SI):c.4180G>C (p.Asp1394His)

Gene: SI (sucrase-isomaltase; minus strand). Cytogenetic location: 3q26.1.
Variant type: single nucleotide variant.
Coding change: c.4180G>C on transcript NM_001041.4 (MANE Select); coding-DNA position 4180, G replaced by C.
Protein change: p.Asp1394His; replaces aspartic acid 1394 with histidine.
Molecular consequence: missense variant.
Genome position (GRCh38, 1-based): chr3:165,007,998, C>G on the plus strand (G>C on the coding strand, the complement: SI is on the minus strand). VCF-style: chr3-165007998-C-G. GRCh37 (hg19) VCF-style: chr3-164725786-C-G.
Other names: short protein forms D1394H.
Identifiers: ClinVar variation 1512970 (VCV001512970.8), dbSNP rs2108157195, ClinGen allele CA355033472.

ClinVar aggregate classification (germline): Uncertain significance (1 of 4 stars; one submission).

Submission:

Labcorp Genetics (formerly Invitae), Labcorp
Classification: Uncertain significance. Last evaluated: 2021-02-22. Review status: criteria provided, single submitter. Criteria: Invitae Variant Classification Sherloc (09022015). Collection method: clinical testing. Allele origin: germline.
Comment: This sequence change replaces aspartic acid with histidine at codon 1394 of the SI protein (p.Asp1394His). The aspartic acid residue is highly conserved and there is a moderate physicochemical difference between aspartic acid and histidine. This variant is not present in population databases (ExAC no frequency). This variant has not been reported in the literature in individuals with SI-related conditions. Algorithms developed to predict the effect of missense changes on protein structure and function (SIFT, PolyPhen-2, Align-GVGD) all suggest that this variant is likely to be disruptive, but these predictions have not been confirmed by published functional studies and their clinical significance is uncertain. Algorithms developed to predict the effect of sequence changes on RNA splicing suggest that this variant may disrupt the consensus splice site, but this prediction has not been confirmed by published transcriptional studies. In summary, the available evidence is currently insufficient to determine the role of this variant in disease. Therefore, it has been classified as a Variant of Uncertain Significance.